The following is an entry in ClinVar:

ClinVar aggregate classification (germline): Uncertain significance. Review status: criteria provided, multiple submitters, no conflicts (2 of 4 stars). 2 submissions from 2 submitters: Uncertain significance (2). Last evaluated 2020-04-17.

Conditions:
Bethlem myopathy 1A. Also called: Bethlem Muscular Dystrophy; MYOPATHY, BENIGN CONGENITAL, WITH CONTRACTURES; Bethlem myopathy 1. Identifiers: Orphanet 610, MedGen CN029274, MONDO:0024530, OMIM 158810.

Allele frequency attached by ClinVar (database versions not stated): gnomAD exomes below 0.00001 and 0.00001; gnomAD 0.00001; TOPMed 0.00001; ExAC below 0.00001.

Submissions (2):

Labcorp Genetics (formerly Invitae), Labcorp
Classification: Uncertain significance for Bethlem myopathy 1A. Last evaluated: 2020-04-17. Review status: criteria provided, single submitter. Criteria: Invitae Variant Classification Sherloc (09022015). Collection method: clinical testing. Allele origin: germline.
Comment: In summary, the available evidence is currently insufficient to determine the role of this variant in disease. Therefore, it has been classified as a Variant of Uncertain Significance. Algorithms developed to predict the effect of missense changes on protein structure and function are either unavailable or do not agree on the potential impact of this missense change (SIFT: "Deleterious"; PolyPhen-2: "Probably Damaging"; Align-GVGD: "Class C0"). This variant has not been reported in the literature in individuals with COL6A2-related conditions. The frequency data for this variant in the population databases is considered unreliable, as metrics indicate poor data quality at this position in the ExAC database. This sequence change replaces arginine with tryptophan at codon 861 of the COL6A2 protein (p.Arg861Trp). The arginine residue is weakly conserved and there is a moderate physicochemical difference between arginine and tryptophan.

Revvity Omics, Revvity
Classification: Uncertain significance. Last evaluated: 2019-10-25. Review status: criteria provided, single submitter. Criteria: ACMG Guidelines, 2015. Collection method: clinical testing. Allele origin: germline.

NM_001849.4(COL6A2):c.2581C>T (p.Arg861Trp)

Gene: COL6A2 (collagen type VI alpha 2 chain; plus strand). Cytogenetic location: 21q22.3.
Variant type: single nucleotide variant.
Coding change: c.2581C>T on transcript NM_001849.4 (MANE Select); coding-DNA position 2581, C replaced by T.
Protein change: p.Arg861Trp; replaces arginine 861 with tryptophan.
Molecular consequence: missense variant.
Genome position (GRCh38, 1-based): chr21:46,132,073, C>T. VCF-style: chr21-46132073-C-T. GRCh37 (hg19) VCF-style: chr21-47551987-C-T.
Other names: c.2581C>T (NM_001849.3); short protein forms R861W.
Identifiers: ClinVar variation 1022886 (VCV001022886.15), dbSNP rs752291709, ClinGen allele CA10072934.